The following is an entry in ClinVar:

ClinVar aggregate classification (germline): Likely benign. Review status: criteria provided, multiple submitters, no conflicts (2 of 4 stars). 3 submissions from 3 submitters: Likely benign (2). 1 of the submissions does not count toward it. Last evaluated 2019-12-31.

Conditions:
MYO16-related disorder. Also called: MYO16-related condition.

Allele frequency attached by ClinVar (database versions not stated): TOPMed 0.00581; ESP Exome Variant Server 0.00753; 1000 Genomes Project 0.00220; 1000 Genomes Project 30x 0.00265; gnomAD 0.00598 and 0.00615.
gnomAD v4.1: 14,077 of 1,608,226 alleles (0.88%); highest among the groups gnomAD compares: Non-Finnish European, 1.1%; 76 homozygotes.

Submissions (5):

Labcorp Genetics (formerly Invitae), Labcorp
Classification: Likely benign. Last evaluated: 2019-12-31. Review status: criteria provided, single submitter. Criteria: Invitae Variant Classification Sherloc (09022015). Collection method: clinical testing. Allele origin: germline.

Breakthrough Genomics
Classification: Likely benign. Review status: criteria provided, single submitter. Criteria: ACMG Guidelines, 2015. Collection method: not provided. Allele origin: germline. Inheritance: Unknown mechanism. Affected: yes.

PreventionGenetics, part of Exact Sciences
Classification: Benign for MYO16-related condition. Last evaluated: 2019-03-22. Review status: no assertion criteria provided. Collection method: clinical testing. Allele origin: germline. Not counted in ClinVar's aggregate classification.
Comment: This variant is classified as benign based on ACMG/AMP sequence variant interpretation guidelines (Richards et al. 2015 PMID: 25741868, with internal and published modifications).

Dr. Peter K. Rogan Lab, Western University
No classification provided (evidence only). Condition: Clear cell carcinoma of kidney. Review status: no classification provided. Collection method: in vitro. Allele origin: not applicable. Functional consequence: retained intron. Not counted in ClinVar's aggregate classification.

Dr. Peter K. Rogan Lab, Western University
No classification provided (evidence only). Condition: Lung cancer. Review status: no classification provided. Collection method: in vitro. Allele origin: not applicable. Functional consequence: retained intron. Not counted in ClinVar's aggregate classification.

NM_001198950.3(MYO16):c.1663G>A (p.Val555Met)

Gene: MYO16 (myosin XVI; plus strand). Cytogenetic location: 13q33.3.
Variant type: single nucleotide variant.
Coding change: c.1663G>A on transcript NM_001198950.3 (MANE Select); coding-DNA position 1663, G replaced by A.
Protein change: p.Val555Met; replaces valine 555 with methionine.
Molecular consequence: missense variant.
Genome position (GRCh38, 1-based): chr13:108,898,019, G>A. VCF-style: chr13-108898019-G-A. GRCh37 (hg19) VCF-style: chr13-109550367-G-A.
Other names: NC_000013.10:g.109550367G>A; c.1597G>A, p.Val533Met (NM_015011.3); short protein forms V533M, V555M.
Identifiers: ClinVar variation 788705 (VCV000788705.8), dbSNP rs76952704, ClinGen allele CA7044840.